The following is an entry in ClinVar:

NM_017775.4(TTC19):c.508G>A (p.Gly170Ser)

Gene: TTC19 (tetratricopeptide repeat domain 19; plus strand). Cytogenetic location: 17p12.
Variant type: single nucleotide variant.
Coding change: c.508G>A on transcript NM_017775.4 (MANE Select); coding-DNA position 508, G replaced by A.
Protein change: p.Gly170Ser; replaces glycine 170 with serine.
Molecular consequence: missense variant.
Genome position (GRCh38, 1-based): chr17:16,003,876, G>A. VCF-style: chr17-16003876-G-A. GRCh37 (hg19) VCF-style: chr17-15907190-G-A.
Other names: c.187G>A, p.Gly63Ser (NM_001271420.2); short protein forms G170S, G63S.
Identifiers: ClinVar variation 1941758 (VCV001941758.3), dbSNP rs547548279, ClinGen allele CA8407407.

ClinVar aggregate classification (germline): Uncertain significance (1 of 4 stars; one submission).

Allele frequency attached by ClinVar (database versions not stated): gnomAD exomes below 0.00001; ExAC 0.00001; gnomAD 0.00001; 1000 Genomes Project 30x 0.00016; 1000 Genomes Project 0.00020.
gnomAD v4.1: 8 of 1,613,864 alleles (0.0005%); highest among the groups gnomAD compares: South Asian, 0.0033%; no homozygotes.

Submission:

Labcorp Genetics (formerly Invitae), Labcorp
Classification: Uncertain significance. Last evaluated: 2025-02-10. Review status: criteria provided, single submitter. Criteria: Invitae Variant Classification Sherloc (09022015). Collection method: clinical testing. Allele origin: germline.
Comment: This sequence change replaces glycine, which is neutral and non-polar, with serine, which is neutral and polar, at codon 170 of the TTC19 protein (p.Gly170Ser). This variant is present in population databases (rs547548279, gnomAD 0.0009%). This variant has not been reported in the literature in individuals affected with TTC19-related conditions. ClinVar contains an entry for this variant (Variation ID: 1941758). Invitae Evidence Modeling of protein sequence and biophysical properties (such as structural, functional, and spatial information, amino acid conservation, physicochemical variation, residue mobility, and thermodynamic stability) indicates that this missense variant is expected to disrupt TTC19 protein function with a positive predictive value of 80%. In summary, the available evidence is currently insufficient to determine the role of this variant in disease. Therefore, it has been classified as a Variant of Uncertain Significance.